The following is an entry in ClinVar:

ClinVar aggregate classification (germline): Uncertain significance. Review status: criteria provided, multiple submitters, no conflicts (2 of 4 stars). 2 submissions from 2 submitters: Uncertain significance (2). Last evaluated 2025-09-07.

Conditions:
Benign neonatal seizures. Also called: Convulsions benign familial neonatal dominant form; Autosomal dominant form of benign neonatal seizures; Benign neonatal familial convulsions; Benign familial neonatal epilepsy; Benign familial neonatal seizures. Identifiers: Orphanet 1949, MedGen C0220669, MONDO:0016027.

Allele frequency attached by ClinVar (database versions not stated): gnomAD 0.00001; gnomAD exomes 0.00001 and 0.00004; TOPMed 0.00002; ExAC 0.00005.
gnomAD v4.1: 16 of 1,551,330 alleles (0.001%); highest among the groups gnomAD compares: East Asian, 0.0073%; no homozygotes.

Submissions (2):

Labcorp Genetics (formerly Invitae), Labcorp
Classification: Uncertain significance for Benign neonatal seizures. Last evaluated: 2025-09-07. Review status: criteria provided, single submitter. Criteria: Invitae Variant Classification Sherloc (09022015). Collection method: clinical testing. Allele origin: germline.
Comment: This sequence change replaces valine, which is neutral and non-polar, with isoleucine, which is neutral and non-polar, at codon 341 of the KCNQ3 protein (p.Val341Ile). This variant is present in population databases (rs764957038, gnomAD 0.02%). This variant has not been reported in the literature in individuals affected with KCNQ3-related conditions. ClinVar contains an entry for this variant (Variation ID: 1395175). Invitae Evidence Modeling of protein sequence and biophysical properties (such as structural, functional, and spatial information, amino acid conservation, physicochemical variation, residue mobility, and thermodynamic stability) indicates that this missense variant is not expected to disrupt KCNQ3 protein function with a negative predictive value of 80%. In summary, the available evidence is currently insufficient to determine the role of this variant in disease. Therefore, it has been classified as a Variant of Uncertain Significance.

CeGaT Center for Human Genetics Tuebingen
Classification: Uncertain significance. Last evaluated: 2024-03-01. Review status: criteria provided, single submitter. Criteria: CeGaT Center For Human Genetics Tuebingen Variant Classification Criteria Version 2. Collection method: clinical testing. Allele origin: germline. Affected: yes. Observed: 1 variant allele.
Comment: KCNQ3: PM2:Supporting

NM_004519.4(KCNQ3):c.1021G>A (p.Val341Ile)

Gene: KCNQ3 (potassium voltage-gated channel subfamily Q member 3; minus strand). Cytogenetic location: 8q24.22.
Variant type: single nucleotide variant.
Coding change: c.1021G>A on transcript NM_004519.4 (MANE Select); coding-DNA position 1021, G replaced by A.
Protein change: p.Val341Ile; replaces valine 341 with isoleucine.
Molecular consequence: missense variant.
Genome position (GRCh38, 1-based): chr8:132,174,262, C>T on the plus strand (G>A on the coding strand, the complement: KCNQ3 is on the minus strand). VCF-style: chr8-132174262-C-T. GRCh37 (hg19) VCF-style: chr8-133186509-C-T.
Other names: c.661G>A, p.Val221Ile (NM_001204824.2); short protein forms V221I, V341I.
Identifiers: ClinVar variation 1395175 (VCV001395175.26), dbSNP rs764957038, ClinGen allele CA4880800.
Genomic context (GRCh38, chr8:132,174,262, plus strand): 5'-CGTCACATTGGGGATGTCATATATCAAAGGTACTTACCGCTGGAAGGGCAAAAAAGGAGA[C>T]GCCAATTAAGGAAAAGGTGGCGGCAATCAGACGGCCTTCCCACGTTTTGGGTGTCTTGTC-3'
Protein context (NP_004510.1, residues 331-351): LIAATFSLIG[Val341Ile]SFFALPAGIL